The following is an entry in ClinVar:

ClinVar aggregate classification (germline): Likely pathogenic (1 of 4 stars; one submission).

Submission:

Labcorp Genetics (formerly Invitae), Labcorp
Classification: Likely pathogenic. Last evaluated: 2022-12-21. Review status: criteria provided, single submitter. Criteria: Invitae Variant Classification Sherloc (09022015). Collection method: clinical testing. Allele origin: germline.
Comment: This missense change has been observed in individual(s) with Dent disease complex (PMID: 15125028). This variant is not present in population databases (gnomAD no frequency). This sequence change replaces glycine, which is neutral and non-polar, with arginine, which is basic and polar, at codon 506 of the CLCN5 protein (p.Gly506Arg). Algorithms developed to predict the effect of missense changes on protein structure and function (SIFT, PolyPhen-2, Align-GVGD) all suggest that this variant is likely to be disruptive. This variant disrupts the p.Gly506 amino acid residue in CLCN5. Other variant(s) that disrupt this residue have been determined to be pathogenic (PMID: 8559248; Invitae). This suggests that this residue is clinically significant, and that variants that disrupt this residue are likely to be disease-causing. In summary, the currently available evidence indicates that the variant is pathogenic, but additional data are needed to prove that conclusively. Therefore, this variant has been classified as Likely Pathogenic.

Literature cited by the submitters: PubMed 15125028; PubMed 8559248.

NM_001127898.4(CLCN5):c.1726G>C (p.Gly576Arg)

Gene: CLCN5 (chloride voltage-gated channel 5; plus strand). Cytogenetic location: Xp11.23.
Variant type: single nucleotide variant.
Coding change: c.1726G>C on transcript NM_001127898.4 (MANE Select); coding-DNA position 1726, G replaced by C.
Protein change: p.Gly576Arg; replaces glycine 576 with arginine.
Molecular consequence: missense variant.
Genome position (GRCh38, 1-based): chrX:50,088,866, G>C. VCF-style: chrX-50088866-G-C. GRCh37 (hg19) VCF-style: chrX-49853523-G-C.
Other names: c.1516G>C, p.Gly506Arg (NM_000084.5); c.1726G>C, p.Gly576Arg (NM_001127899.4); c.1576G>C, p.Gly526Arg (NM_001282163.2); short protein forms G526R, G506R, G576R.
Identifiers: ClinVar variation 2822984 (VCV002822984.3), dbSNP rs2519440912, ClinGen allele CA413188510.